The following is an entry in ClinVar:

ClinVar aggregate classification (germline): Uncertain significance (1 of 4 stars; one submission).

gnomAD v4.1: 1 of 1,545,332 alleles (0.000065%); highest among the groups gnomAD compares: Admixed American, 0.002%; no homozygotes.

Submission:

Women's Health and Genetics/Laboratory Corporation of America, LabCorp
Classification: Uncertain significance. Last evaluated: 2025-03-06. Review status: criteria provided, single submitter. Criteria: LabCorp Variant Classification Summary - May 2015. Collection method: clinical testing. Allele origin: germline.
Comment: Variant summary: ALG3 NM_005787 c.-49G>A is located in the untranscribed region upstream of the ALG3 gene region, it is also known as NM_001006941.2 c.52+237G>A. Consensus agreement among computation tools predict no significant impact on normal splicing. However, these predictions have yet to be confirmed by functional studies. The variant was absent in 143522 control chromosomes. The available data on variant occurrences in the general population are insufficient to allow any conclusion about variant significance. To our knowledge, no occurrence of c.-49G>A in individuals affected with ALG3-congenital disorder of glycosylation and no experimental evidence demonstrating its impact on protein function have been reported. No submitters have cited clinical-significance assessments for this variant to ClinVar. Based on the evidence outlined above, the variant was classified as uncertain significance.

NM_005787.6(ALG3):c.-49G>A

Gene: ALG3 (ALG3 alpha-1,3- mannosyltransferase; minus strand). Cytogenetic location: 3q27.1.
Variant type: single nucleotide variant.
Coding change: c.-49G>A on transcript NM_005787.6 (MANE Select); 49 bases upstream of the start codon, G replaced by A.
Molecular consequence: genic upstream transcript variant. On other transcripts: intron variant (1).
Genome position (GRCh38, 1-based): chr3:184,248,989, C>T on the plus strand (G>A on the coding strand, the complement: ALG3 is on the minus strand). VCF-style: chr3-184248989-C-T. GRCh37 (hg19) VCF-style: chr3-183966777-C-T.
Other names: c.52+237G>A (NM_001006941.2).
Identifiers: ClinVar variation 3895801 (VCV003895801.1).
Genomic context (GRCh38, chr3:184,248,989, plus strand): 5'-CCCAGCCGCCATCTTAACGGTGCGCCGCTTGTGTGGGCCCACCACCCCCGGAAACCCGAA[C>T]CTTCGACACTTAGGTTCCGCTTCCCGTGCCTGGCGTCCCACCAGGCTAAGCGCCGATCCG-3'